The following is an entry in ClinVar:

ClinVar aggregate classification (germline): Conflicting classifications of pathogenicity. Review status: criteria provided, conflicting classifications (1 of 4 stars). 2 submissions from 2 submitters: Likely pathogenic (1); Uncertain significance (1). Last evaluated 2026-07-01.

Conditions:
Glycogen storage disease, type II (IOPD). Also called: CARDIOMEGALIA GLYCOGENICA DIFFUSA; GLYCOGENOSIS, GENERALIZED, CARDIAC FORM; GSD II; Glycogen storage disease type 2; Acid maltase deficiency disease; Aglucosidase alfa. Identifiers: Orphanet 365, MedGen C0017921, MONDO:0009290, OMIM 232300.

Submissions (2):

Genomenon, Inc
Classification: Uncertain significance for Glycogen storage disease, type II. Last evaluated: 2026-07-01. Review status: criteria provided, single submitter. Criteria: Genomenon Sequence Variant Interpretation Standards - Updated. Collection method: curation. Allele origin: germline. Affected: yes.
Comment: GAA p.Asp459del (c.1377_1379del) is an in-frame deletion that results in the loss of Aspartic acid at codon 459. This variant has been observed in at least one proband with a GAA-related disorder in the compound heterozygous and/or homozygous state (PMID:14695532). At least one functional study has demonstrated a substantial alteration in protein function relative to the wild-type (PMID:19862843). It is absent or not present at a significant frequency in gnomAD. In conclusion, we classify GAA p.Asp459del (c.1377_1379del) as a variant of uncertain significance.

Myriad Genetics, Inc.
Classification: Likely pathogenic for Glycogen storage disease, type II. Last evaluated: 2025-12-05. Review status: criteria provided, single submitter. Criteria: Myriad Autosomal Dominant, Autosomal Recessive and X-Linked Classification Criteria (2023). Collection method: clinical testing. Allele origin: unknown.
Comment: NM_000152.3(GAA):c.1377_1379delCGA(D459del) is an in-frame deletion classified as likely pathogenic in the context of Pompe disease. D459del has been observed in cases with relevant disease (PMID: 31619483, 14695532). Relevant functional assessments of this variant are available in the literature (PMID: 14695532, 19862843). D459del has not been observed in referenced population frequency databases. In summary, NM_000152.3(GAA):c.1377_1379delCGA(D459del) is an in-frame deletion that has functional support for pathogenicity and has been observed more frequently in cases with the relevant disease than in healthy populations. Please note: this variant was assessed in the context of healthy population screening.

Literature cited by the submitters: PubMed 14695532 (cited by Genomenon, Inc and Myriad Genetics, Inc.); PubMed 19862843 (cited by Genomenon, Inc and Myriad Genetics, Inc.); PubMed 31619483 (cited by Myriad Genetics, Inc.).

NM_000152.5(GAA):c.1374CGA[1] (p.Asp459del)

Gene: GAA (alpha glucosidase; plus strand). Cytogenetic location: 17q25.3.
Variant type: Microsatellite.
Coding change: c.1374CGA[1] on transcript NM_000152.5 (MANE Select); one copy of the 3-base unit CGA starting at c.1374; the reference has two copies in a row; one copy, 3 bases deleted; also written c.1377_1379del.
Protein change: p.Asp459del; deletes aspartic acid 459.
Molecular consequence: inframe deletion.
Genome position (GRCh38, 1-based): chr17:80,109,995-80,109,997, CGA deleted; deleting any 3 consecutive bases within chr17:80,109,991-80,109,997 gives the same sequence; the position shown is the placement nearest the transcript's 3' end. VCF-style (leftmost placement, unchanged base first): chr17-80109990-TACG-T. GRCh37 (hg19) VCF-style: chr17-78083789-TACG-T.
Other names: c.1377_1379del (NM_000152.5); c.1374CGA[1], p.Asp459del (NM_001079803.3, NM_001079804.3, NM_001406741.1 and 1 more transcripts); short protein forms D459del.
Identifiers: ClinVar variation 4876471 (VCV004876471.2).